The following is an entry in ClinVar:

NM_004606.5(TAF1):c.4909C>G (p.Pro1637Ala)

Gene: TAF1 (TATA-box binding protein associated factor 1; plus strand). Cytogenetic location: Xq13.1.
Variant type: single nucleotide variant.
Coding change: c.4909C>G on transcript NM_004606.5 (MANE Select); coding-DNA position 4909, C replaced by G.
Protein change: p.Pro1637Ala; replaces proline 1637 with alanine.
Molecular consequence: missense variant. On other transcripts: non-coding transcript variant (9).
Genome position (GRCh38, 1-based): chrX:71,454,828, C>G. VCF-style: chrX-71454828-C-G. GRCh37 (hg19) VCF-style: chrX-70674678-C-G.
Other names: c.4909C>G, p.Pro1637Ala (NM_001286074.2, NM_001440852.1, NM_001440853.1); c.4846C>G, p.Pro1616Ala (NM_001440854.1, NM_138923.4); short protein forms P1616A, P1637A.
Identifiers: ClinVar variation 4532557 (VCV004532557.3).
Genomic context (GRCh38, chrX:71,454,828, plus strand): 5'-AAGGATATTTGTACTGCTAAAGAAGCAGCTTTGGAGGAAGCAGAATTAGAAAGCCTGGAC[C>G]CAATGACCCCAGGGCCCTACACGCCTCAGGTGAGTCTGAGGACTAAGTACTTCCTCATAT-3'
Protein context (NP_004597.3, residues 1627-1647): LEEAELESLD[Pro1637Ala]MTPGPYTPQP

ClinVar aggregate classification (germline): Uncertain significance. Review status: criteria provided, multiple submitters, no conflicts (2 of 4 stars). 2 submissions from 2 submitters: Uncertain significance (2). Last evaluated 2026-02-19.

gnomAD v4.1: 10 of 1,208,217 alleles (0.00083%); highest among the groups gnomAD compares: Non-Finnish European, 0.0011%; no homozygotes.

Submissions (2):

GeneDx
Classification: Uncertain significance. Last evaluated: 2026-02-19. Review status: criteria provided, single submitter. Criteria: GeneDx Variant Classification Process June 2021. Collection method: clinical testing. Allele origin: germline.
Comment: In silico analysis suggests that this missense variant does not alter protein structure/function; Has not been previously published as pathogenic or benign to our knowledge

Labcorp Genetics (formerly Invitae), Labcorp
Classification: Uncertain significance. Last evaluated: 2025-01-28. Review status: criteria provided, single submitter. Criteria: Invitae Variant Classification Sherloc (09022015). Collection method: clinical testing. Allele origin: germline.
Comment: This sequence change replaces proline, which is neutral and non-polar, with alanine, which is neutral and non-polar, at codon 1657 of the TAF1 protein (p.Pro1657Ala). This variant is present in population databases (rs776273169, gnomAD 0.003%). This variant has not been reported in the literature in individuals affected with TAF1-related conditions. Invitae Evidence Modeling of protein sequence and biophysical properties (such as structural, functional, and spatial information, amino acid conservation, physicochemical variation, residue mobility, and thermodynamic stability) indicates that this missense variant is not expected to disrupt TAF1 protein function with a negative predictive value of 80%. In summary, the available evidence is currently insufficient to determine the role of this variant in disease. Therefore, it has been classified as a Variant of Uncertain Significance.